The following is an entry in ClinVar:

NM_144605.5(SEPTIN12):c.818T>C (p.Ile273Thr)

Gene: SEPTIN12 (septin 12; minus strand). Cytogenetic location: 16p13.3.
Variant type: single nucleotide variant.
Coding change: c.818T>C on transcript NM_144605.5 (MANE Select); coding-DNA position 818, T replaced by C.
Protein change: p.Ile273Thr; replaces isoleucine 273 with threonine.
Molecular consequence: missense variant.
Genome position (GRCh38, 1-based): chr16:4,779,695, A>G on the plus strand (T>C on the coding strand, the complement: SEPTIN12 is on the minus strand). VCF-style: chr16-4779695-A-G. GRCh37 (hg19) VCF-style: chr16-4829696-A-G.
Other names: c.680T>C, p.Ile227Thr (NM_001154458.3); short protein forms I227T, I273T.
Identifiers: ClinVar variation 3389085 (VCV003389085.14).

ClinVar aggregate classification (germline): Likely benign (1 of 4 stars; one submission).

gnomAD v4.1: 41 of 1,609,390 alleles (0.0025%); highest among the groups gnomAD compares: Middle Eastern, 0.017%; no homozygotes.

Submission:

CeGaT Center for Human Genetics Tuebingen
Classification: Likely benign. Last evaluated: 2024-09-01. Review status: criteria provided, single submitter. Criteria: CeGaT Center For Human Genetics Tuebingen Variant Classification Criteria Version 2. Collection method: clinical testing. Allele origin: germline. Affected: yes. Observed: 1 variant allele.
Comment: SEPTIN12: BP4